The following is an entry in ClinVar:

ClinVar aggregate classification (germline): Likely pathogenic (1 of 4 stars; one submission).

Conditions:
Cardiovascular phenotype. Identifiers: MedGen CN230736.

Submission:

Ambry Genetics
Classification: Likely pathogenic for Cardiovascular phenotype. Last evaluated: 2024-07-19. Review status: criteria provided, single submitter. Criteria: Ambry Variant Classification Scheme 2023. Collection method: clinical testing. Allele origin: germline.
Comment: The c.57481_57484delGAGT variant, located in coding exon 153 of the TTN gene, results from a deletion of 4 nucleotides at nucleotide positions 57481 to 57484, causing a translational frameshift with a predicted alternate stop codon (p.E19161Ifs*74). This exon is located in the A-band region of the N2-B isoform of the titin protein and is constitutively expressed in TTN transcripts (percent spliced in or PSI 100%). This variant is considered to be rare based on population cohorts in the Genome Aggregation Database (gnomAD). This alteration is expected to result in loss of function by premature protein truncation or nonsense-mediated mRNA decay. While truncating variants in TTN are present in 1-3% of the general population, truncating variants in the A-band are the most common cause of dilated cardiomyopathy (DCM) (Herman DS et al. N. Engl. J. Med., 2012 Feb;366:619-28; Roberts AM et al. Sci Transl Med, 2015 Jan;7:270ra6). TTN truncating variants encoded in constitutive exons (PSI >90%) have been found to be significantly associated with DCM regardless of their position in titin (Schafer S et al. Nat. Genet., 2017 01;49:46-53). Based on the majority of available evidence to date, this variant is likely to be pathogenic.

NM_001267550.2(TTN):c.84676_84679del (p.Glu28226fs)

Genes: TTN (titin; minus strand), TTN-AS1 (TTN antisense RNA 1; plus strand). Cytogenetic location: 2q31.2.
Variant type: Deletion.
Coding change: c.84676_84679del on transcript NM_001267550.2 (MANE Select); coding-DNA positions 84676 to 84679, 4 bases deleted (GAGT; older notation c.84676_84679delGAGT).
Protein change: p.Glu28226fs; shifts the reading frame from glutamic acid 28226.
Molecular consequence: frameshift variant.
Genome position (GRCh38, 1-based): chr2:178,561,453-178,561,456, ACTC deleted on the plus strand (GAGT on the coding strand, the reverse complement: TTN is on the minus strand); deleting any 4 consecutive bases within chr2:178,561,453-178,561,457 gives the same sequence; the c. name uses the placement nearest the transcript's 3' end. VCF-style (leftmost placement, unchanged base first): chr2-178561452-TACTC-T. GRCh37 (hg19) VCF-style: chr2-179426179-TACTC-T.
Other names: c.79753_79756del, p.Glu26585fs (NM_001256850.1); c.57481_57484del, p.Glu19161fs (NM_003319.4); c.76972_76975del, p.Glu25658fs (NM_133378.4); c.57856_57859del, p.Glu19286fs (NM_133432.3); c.58057_58060del, p.Glu19353fs (NM_133437.4); c.57481_57484delGAGT (NM_003319.4); short protein forms E19161fs, E19286fs, E25658fs, E26585fs, E28226fs, E19353fs.
Identifiers: ClinVar variation 3463734 (VCV003463734.1).
Genomic context (GRCh38, chr2:178,561,452, plus strand): 5'-ACTGGTTCACAAGATTTACTGCATTTACCAATTCCAGCAATATTTTCAGCATATACACGA[TACTC>T]ATACATCAGTCCTTCATCAAGGCCGGAGACTTTCATTTGAGTATCAGCAATGAGGATTTT-3'